The following is an entry in ClinVar:

NM_006302.3(MOGS):c.617TCT[1] (p.Phe207del)

Gene: MOGS (mannosyl-oligosaccharide glucosidase; minus strand). Cytogenetic location: 2p13.1.
Variant type: Microsatellite.
Coding change: c.617TCT[1] on transcript NM_006302.3 (MANE Select); one copy of the 3-base unit TCT starting at c.617; the reference has two copies in a row; one copy, 3 bases deleted.
Protein change: p.Phe207del; deletes phenylalanine 207.
Molecular consequence: inframe deletion.
Genome position (GRCh38, 1-based): chr2:74,463,344-74,463,346, AGA deleted on the plus strand (TCT on the coding strand, the reverse complement: MOGS is on the minus strand); deleting any 3 consecutive bases within chr2:74,463,344-74,463,350 gives the same sequence; the position shown is the placement nearest the transcript's 3' end. VCF-style (leftmost placement, unchanged base first): chr2-74463343-TAGA-T. GRCh37 (hg19) VCF-style: chr2-74690470-TAGA-T.
Other names: c.299TCT[1], p.Phe101del (NM_001146158.2); short protein forms F101del, F207del.
Identifiers: ClinVar variation 1016532 (VCV001016532.9), dbSNP rs1671983338, ClinGen allele CA1261438726.

ClinVar aggregate classification (germline): Uncertain significance (1 of 4 stars; one submission).

Conditions:
MOGS-congenital disorder of glycosylation. Also called: GLUCOSIDASE I DEFICIENCY; CDG 2B; MOGS-CDG; CDG IIb. Identifiers: Orphanet 79330, MedGen C1853736, MONDO:0011629, OMIM 606056.

Submission:

Labcorp Genetics (formerly Invitae), Labcorp
Classification: Uncertain significance for MOGS-congenital disorder of glycosylation. Last evaluated: 2022-03-19. Review status: criteria provided, single submitter. Criteria: Invitae Variant Classification Sherloc (09022015). Collection method: clinical testing. Allele origin: germline.
Comment: In summary, the available evidence is currently insufficient to determine the role of this variant in disease. Therefore, it has been classified as a Variant of Uncertain Significance. Experimental studies and prediction algorithms are not available or were not evaluated, and the functional significance of this variant is currently unknown. This variant has not been reported in the literature in individuals affected with MOGS-related conditions. This variant is not present in population databases (gnomAD no frequency). This variant, c.620_622del, results in the deletion of 1 amino acid(s) of the MOGS protein (p.Phe207del), but otherwise preserves the integrity of the reading frame.